The following is an entry in ClinVar:

ClinVar aggregate classification (germline): Benign (1 of 4 stars; one submission).

Conditions:
Familial cancer of breast. Also called: BREAST CANCER, FAMILIAL; Hereditary breast cancer; hereditary breast carcinoma. Identifiers: Orphanet 227535, MedGen C0346153, MONDO:0016419, OMIM 114480. Disease mechanism: loss of function.

Submission:

Myriad Genetics, Inc.
Classification: Benign for Familial cancer of breast. Last evaluated: 2024-05-09. Review status: criteria provided, single submitter. Criteria: Myriad Autosomal Dominant, Autosomal Recessive and X-Linked Classification Criteria (2023). Collection method: clinical testing. Allele origin: unknown.
Comment: This variant is considered benign. This variant is a silent/synonymous amino acid change and it is not expected to impact splicing.

NM_000051.4(ATM):c.2571A>C (p.Leu857=)

Gene: ATM (ATM serine/threonine kinase; plus strand). Cytogenetic location: 11q22.3.
Variant type: single nucleotide variant.
Coding change: c.2571A>C on transcript NM_000051.4 (MANE Select); coding-DNA position 2571, A replaced by C.
Protein change: p.Leu857=; no amino-acid change (leucine 857 retained).
Molecular consequence: synonymous variant.
Genome position (GRCh38, 1-based): chr11:108,267,275, A>C. VCF-style: chr11-108267275-A-C. GRCh37 (hg19) VCF-style: chr11-108138002-A-C.
Other names: c.2571A>C, p.Leu857= (NM_001351834.2).
Identifiers: ClinVar variation 3253820 (VCV003253820.1), dbSNP rs1191404395.